The following is an entry in ClinVar:

ClinVar aggregate classification (germline): Benign/Likely benign. Review status: criteria provided, multiple submitters, no conflicts (2 of 4 stars). 19 submissions from 19 submitters: Benign (7); Likely benign (6). 6 of the submissions do not count toward it. Last evaluated 2026-02-03.

Conditions:
AXIN2-related disorder.
Hereditary cancer-predisposing syndrome. Also called: Tumor predisposition; Hereditary neoplastic syndrome; Hereditary Cancer Syndrome; Neoplastic Syndromes, Hereditary. Identifiers: Orphanet 140162, MedGen C0027672, MeSH D009386, MONDO:0015356.
Oligodontia-cancer predisposition syndrome. Also called: TOOTH AGENESIS-COLORECTAL CANCER SYNDROME. Identifiers: Orphanet 300576, MedGen C1837750, MONDO:0012075, OMIM 608615. Disease mechanism: loss of function.

Allele frequency attached by ClinVar (database versions not stated): 1000 Genomes Project 30x 0.00016; 1000 Genomes Project 0.00020; TOPMed 0.00062; ESP Exome Variant Server 0.00069; gnomAD 0.00076 and 0.00078; ExAC 0.00084; gnomAD exomes 0.00090 and 0.00140.
gnomAD v4.1: 2,144 of 1,614,050 alleles (0.13%); highest among the groups gnomAD compares: South Asian, 0.18%; 4 homozygotes.

Submissions (19):

Labcorp Genetics (formerly Invitae), Labcorp
Classification: Benign for Oligodontia-cancer predisposition syndrome. Last evaluated: 2026-02-03. Review status: criteria provided, single submitter. Criteria: Invitae Variant Classification Sherloc (09022015). Collection method: clinical testing. Allele origin: germline.

CeGaT Center for Human Genetics Tuebingen
Classification: Likely benign. Last evaluated: 2026-02-01. Review status: criteria provided, single submitter. Criteria: CeGaT Center For Human Genetics Tuebingen Variant Classification Criteria Version 2. Collection method: clinical testing. Allele origin: germline. Affected: yes. Observed: 15 variant alleles.
Comment: AXIN2: BP4, BP7

Quest Diagnostics Nichols Institute San Juan Capistrano
Classification: Benign. Last evaluated: 2025-07-30. Review status: criteria provided, single submitter. Criteria: Quest Diagnostics criteria. Collection method: clinical testing. Allele origin: unknown.

Center for Genomic Medicine, Rigshospitalet, Copenhagen University Hospital
Classification: Likely benign. Last evaluated: 2025-03-04. Review status: criteria provided, single submitter. Criteria: ACMG Guidelines, 2015. Collection method: clinical testing. Allele origin: germline.

Blueprint Genetics
Classification: Likely benign. Last evaluated: 2024-11-11. Review status: criteria provided, single submitter. Criteria: ACMG Guidelines, 2015. Collection method: clinical testing. Allele origin: germline.

Myriad Genetics, Inc.
Classification: Benign for Oligodontia-cancer predisposition syndrome. Last evaluated: 2024-06-26. Review status: criteria provided, single submitter. Criteria: Myriad Autosomal Dominant, Autosomal Recessive and X-Linked Classification Criteria (2023). Collection method: clinical testing. Allele origin: unknown.
Comment: This variant is considered benign. This variant is a silent/synonymous amino acid change and it is not expected to impact splicing.

ARUP Laboratories, Molecular Genetics and Genomics, ARUP Laboratories
Classification: Likely benign. Last evaluated: 2024-06-21. Review status: criteria provided, single submitter. Criteria: ARUP Molecular Germline Variant Investigation Process 2024. Collection method: clinical testing. Allele origin: germline.

KCCC/NGS Laboratory, Kuwait Cancer Control Center
Classification: Benign for Oligodontia-cancer predisposition syndrome. Last evaluated: 2023-07-07. Review status: criteria provided, single submitter. Criteria: ACMG Guidelines, 2015. Collection method: clinical testing. Allele origin: germline. Affected: yes.

Women's Health and Genetics/Laboratory Corporation of America, LabCorp
Classification: Benign. Last evaluated: 2023-04-14. Review status: criteria provided, single submitter. Criteria: LabCorp Variant Classification Summary - May 2015. Collection method: clinical testing. Allele origin: germline.

Sema4
Classification: Likely benign for Hereditary cancer-predisposing syndrome. Last evaluated: 2021-02-10. Review status: criteria provided, single submitter. Criteria: Sema4 Curation Guidelines. Collection method: curation. Allele origin: germline.

Ambry Genetics
Classification: Likely benign for Hereditary cancer-predisposing syndrome. Last evaluated: 2019-01-02. Review status: criteria provided, single submitter. Criteria: Ambry Variant Classification Scheme 2023. Collection method: clinical testing. Allele origin: germline.

Illumina Laboratory Services, Illumina
Classification: Benign for Oligodontia-cancer predisposition syndrome. Last evaluated: 2018-01-13. Review status: criteria provided, single submitter. Criteria: ICSL Variant Classification Criteria 13 December 2019. Collection method: clinical testing. Allele origin: germline.
Comment: This variant was observed in the ICSL laboratory as part of a predisposition screen in an ostensibly healthy population. It had not been previously curated by ICSL or reported in the Human Gene Mutation Database (HGMD: prior to June 1st, 2018), and was therefore a candidate for classification through an automated scoring system. Utilizing variant allele frequency, disease prevalence and penetrance estimates, and inheritance mode, an automated score was calculated to assess if this variant is too frequent to cause the disease. Based on the score and internal cut-off values, a variant classified as benign is not then subjected to further curation. The score for this variant resulted in a classification of benign for this disease.

GeneDx
Classification: Benign. Last evaluated: 2014-01-14. Review status: criteria provided, single submitter. Criteria: GeneDx Variant Classification (06012015). Collection method: clinical testing. Allele origin: germline. Affected: yes.
Comment: This variant is considered likely benign or benign based on one or more of the following criteria: it is a conservative change, it occurs at a poorly conserved position in the protein, it is predicted to be benign by multiple in silico algorithms, and/or has population frequency not consistent with disease.

PreventionGenetics, part of Exact Sciences
Classification: Likely benign for AXIN2-related condition. Last evaluated: 2023-11-29. Review status: no assertion criteria provided. Collection method: clinical testing. Allele origin: germline. Not counted in ClinVar's aggregate classification.
Comment: This variant is classified as likely benign based on ACMG/AMP sequence variant interpretation guidelines (Richards et al. 2015 PMID: 25741868, with internal and published modifications).

Clinical Genetics DNA and cytogenetics Diagnostics Lab, Erasmus MC, Erasmus Medical Center
Classification: Likely benign. Review status: no assertion criteria provided. Collection method: clinical testing. Allele origin: germline. Affected: yes. Study: VKGL Data-share Consensus. Not counted in ClinVar's aggregate classification.

Clinical Genetics, Academic Medical Center
Classification: Likely benign. Review status: no assertion criteria provided. Collection method: clinical testing. Allele origin: germline. Affected: yes. Study: VKGL Data-share Consensus. Not counted in ClinVar's aggregate classification.

Diagnostic Laboratory, Department of Genetics, University Medical Center Groningen
Classification: Likely benign. Review status: no assertion criteria provided. Collection method: clinical testing. Allele origin: germline. Affected: yes. Study: VKGL Data-share Consensus. Not counted in ClinVar's aggregate classification.

Laboratory of Diagnostic Genome Analysis, Leiden University Medical Center (LUMC)
Classification: Likely benign. Review status: no assertion criteria provided. Collection method: clinical testing. Allele origin: germline. Affected: yes. Study: VKGL Data-share Consensus. Not counted in ClinVar's aggregate classification.

Mayo Clinic Laboratories, Mayo Clinic
Classification: Likely benign. Review status: no assertion criteria provided. Collection method: clinical testing. Allele origin: unknown. Not counted in ClinVar's aggregate classification.

Literature cited by the submitters: PubMed 15841489 (cited by Quest Diagnostics Nichols Institute San Juan Capistrano).

NM_004655.4(AXIN2):c.270C>T (p.Asp90=)

Gene: AXIN2 (axin 2; minus strand). Cytogenetic location: 17q24.1.
Variant type: single nucleotide variant.
Coding change: c.270C>T on transcript NM_004655.4 (MANE Select); coding-DNA position 270, C replaced by T.
Protein change: p.Asp90=; no amino-acid change (aspartic acid 90 retained).
Molecular consequence: synonymous variant.
Genome position (GRCh38, 1-based): chr17:65,558,351, G>A on the plus strand (C>T on the coding strand, the complement: AXIN2 is on the minus strand). VCF-style: chr17-65558351-G-A. GRCh37 (hg19) VCF-style: chr17-63554469-G-A.
Other names: p.D90D:GAC>GAT; c.270C>T, p.Asp90= (NM_001363813.1); c.270C>T (LRG_296t1).
Identifiers: ClinVar variation 136490 (VCV000136490.78), dbSNP rs141655687, ClinGen allele CA289660.